The following is an entry in ClinVar:

NM_001035.3(RYR2):c.677-11T>A

Gene: RYR2 (ryanodine receptor 2; plus strand). Cytogenetic location: 1q43.
Variant type: single nucleotide variant.
Coding change: c.677-11T>A on transcript NM_001035.3 (MANE Select); 11 bases into the intron before coding-DNA position 677, T replaced by A.
Molecular consequence: intron variant.
Genome position (GRCh38, 1-based): chr1:237,388,076, T>A. VCF-style: chr1-237388076-T-A. GRCh37 (hg19) VCF-style: chr1-237551376-T-A.
Identifiers: ClinVar variation 43817 (VCV000043817.32), dbSNP rs10754602, ClinGen allele CA010312.

ClinVar aggregate classification (germline): Benign. Review status: criteria provided, multiple submitters, no conflicts (2 of 4 stars). 14 submissions from 11 submitters: Benign (14). Last evaluated 2026-02-04.

Conditions:
Cardiovascular phenotype. Identifiers: MedGen CN230736.
Cardiac arrhythmia. Also called: Arrhythmia; Cardiac rhythm disease. Identifiers: MedGen C0003811, MONDO:0007263, HP:0011675.
Cardiomyopathy (CMYO). Also called: Cardiomyopathies. Identifiers: Orphanet 167848, MedGen C0878544, MONDO:0004994, HP:0001638. Inheritance: Various modes of inheritance.
Catecholaminergic polymorphic ventricular tachycardia 1. Also called: VENTRICULAR TACHYCARDIA, CATECHOLAMINERGIC POLYMORPHIC, 1, WITH OR WITHOUT ATRIAL DYSFUNCTION AND/OR DILATED CARDIOMYOPATHY; VENTRICULAR TACHYCARDIA, STRESS-INDUCED POLYMORPHIC 1; RYR2-Related Catecholaminergic Polymorphic Ventricular Tachycardia. Identifiers: Orphanet 3286, MedGen C1631597, MONDO:0011484, OMIM 604772.
Arrhythmogenic right ventricular dysplasia 2. Identifiers: MedGen C1832931.

Allele frequency attached by ClinVar (database versions not stated): ESP Exome Variant Server 0.52728; gnomAD 0.53281; 1000 Genomes Project 0.55651; TOPMed 0.55819; 1000 Genomes Project 30x 0.56168.
gnomAD v4.1: 904,060 of 1,610,562 alleles (56%); highest among the groups gnomAD compares: Admixed American, 74%; 255,884 homozygotes.

Submissions (14):

Labcorp Genetics (formerly Invitae), Labcorp
Classification: Benign for Catecholaminergic polymorphic ventricular tachycardia 1. Last evaluated: 2026-02-04. Review status: criteria provided, single submitter. Criteria: Invitae Variant Classification Sherloc (09022015). Collection method: clinical testing. Allele origin: germline.

Blueprint Genetics
Classification: Benign. Last evaluated: 2024-11-26. Review status: criteria provided, single submitter. Criteria: ACMG Guidelines, 2015. Collection method: clinical testing. Allele origin: germline.

Genome-Nilou Lab
Classification: Benign for Catecholaminergic polymorphic ventricular tachycardia 1. Last evaluated: 2021-11-07. Review status: criteria provided, single submitter. Criteria: ACMG Guidelines, 2015. Collection method: clinical testing. Allele origin: germline. Affected: no.

Genome-Nilou Lab
Classification: Benign for Ventricular arrhythmias due to cardiac ryanodine receptor calcium release deficiency syndrome. Last evaluated: 2021-11-07. Review status: criteria provided, single submitter. Criteria: ACMG Guidelines, 2015. Collection method: clinical testing. Allele origin: germline. Affected: no.

Genome-Nilou Lab
Classification: Benign for Catecholaminergic polymorphic ventricular tachycardia 1. Last evaluated: 2021-11-07. Review status: criteria provided, single submitter. Criteria: ACMG Guidelines, 2015. Collection method: clinical testing. Allele origin: germline. Affected: no.

Color Diagnostics, LLC DBA Color Health
Classification: Benign for Cardiomyopathy. Last evaluated: 2018-03-09. Review status: criteria provided, single submitter. Criteria: ACMG Guidelines, 2015. Collection method: clinical testing. Allele origin: germline.

Illumina Laboratory Services, Illumina
Classification: Benign for Catecholaminergic polymorphic ventricular tachycardia 1. Last evaluated: 2018-01-13. Review status: criteria provided, single submitter. Criteria: ICSL Variant Classification Criteria 13 December 2019. Collection method: clinical testing. Allele origin: germline.
Comment: This variant was observed in the ICSL laboratory as part of a predisposition screen in an ostensibly healthy population. It had not been previously curated by ICSL or reported in the Human Gene Mutation Database (HGMD: prior to June 1st, 2018), and was therefore a candidate for classification through an automated scoring system. Utilizing variant allele frequency, disease prevalence and penetrance estimates, and inheritance mode, an automated score was calculated to assess if this variant is too frequent to cause the disease. Based on the score and internal cut-off values, a variant classified as benign is not then subjected to further curation. The score for this variant resulted in a classification of benign for this disease.

Illumina Laboratory Services, Illumina
Classification: Benign for Catecholaminergic polymorphic ventricular tachycardia 1. Last evaluated: 2018-01-13. Review status: criteria provided, single submitter. Criteria: ICSL Variant Classification Criteria 13 December 2019. Collection method: clinical testing. Allele origin: germline.
Comment: the same text as in the submission from Illumina Laboratory Services, Illumina above.

GeneDx
Classification: Benign. Last evaluated: 2015-03-03. Review status: criteria provided, single submitter. Criteria: GeneDx Variant Classification Process June 2021. Collection method: clinical testing. Allele origin: germline. Affected: yes.

Ambry Genetics
Classification: Benign for Cardiovascular phenotype. Last evaluated: 2014-12-08. Review status: criteria provided, single submitter. Criteria: Ambry Variant Classification Scheme 2023. Collection method: clinical testing. Allele origin: germline.

Eurofins Ntd Llc (ga)
Classification: Benign. Last evaluated: 2014-09-15. Review status: criteria provided, single submitter. Criteria: EGL Classification Definitions 2015. Collection method: clinical testing. Allele origin: germline. Observed: 2 variant alleles, 2 heterozygotes.

Laboratory for Molecular Medicine, Mass General Brigham Personalized Medicine
Classification: Benign. Last evaluated: 2011-09-16. Review status: criteria provided, single submitter. Criteria: LMM Criteria. Collection method: clinical testing. Allele origin: germline. Observed: 1,482 variant alleles.

Breakthrough Genomics
Classification: Benign. Review status: criteria provided, single submitter. Criteria: ACMG Guidelines, 2015. Collection method: not provided. Allele origin: germline. Inheritance: Autosomal dominant inheritance. Affected: yes.

PreventionGenetics, part of Exact Sciences
Classification: Benign. Review status: criteria provided, single submitter. Criteria: ACMG Guidelines, 2015. Collection method: clinical testing. Allele origin: germline.